The following is an entry in ClinVar:

ClinVar aggregate classification (germline): Uncertain significance (1 of 4 stars; one submission).

Conditions:
Arrhythmogenic right ventricular dysplasia 13. Also called: ARRHYTHMOGENIC RIGHT VENTRICULAR CARDIOMYOPATHY 13; Arrhythmogenic right ventricular dysplasia, familial, 13. Identifiers: MedGen C3810138, MONDO:0000908, OMIM 615616.

Allele frequency attached by ClinVar (database versions not stated): gnomAD exomes below 0.00001.
gnomAD v4.1: 2 of 1,613,512 alleles (0.00012%); highest among the groups gnomAD compares: Non-Finnish European, 0.00017%; no homozygotes.

Submission:

Labcorp Genetics (formerly Invitae), Labcorp
Classification: Uncertain significance for Arrhythmogenic right ventricular dysplasia 13. Last evaluated: 2024-11-27. Review status: criteria provided, single submitter. Criteria: Invitae Variant Classification Sherloc (09022015). Collection method: clinical testing. Allele origin: germline.
Comment: This sequence change creates a premature translational stop signal (p.Gln14*) in the CTNNA3 gene. It is expected to result in an absent or disrupted protein product. However, the current clinical and genetic evidence is not sufficient to establish whether loss-of-function variants in CTNNA3 cause disease. This variant is not present in population databases (gnomAD no frequency). This variant has not been reported in the literature in individuals affected with CTNNA3-related conditions. ClinVar contains an entry for this variant (Variation ID: 646792). In summary, the available evidence is currently insufficient to determine the role of this variant in disease. Therefore, it has been classified as a Variant of Uncertain Significance.

NM_013266.4(CTNNA3):c.40C>T (p.Gln14Ter)

Gene: CTNNA3 (catenin alpha 3; minus strand). Cytogenetic location: 10q21.3.
Variant type: single nucleotide variant.
Coding change: c.40C>T on transcript NM_013266.4 (MANE Select); coding-DNA position 40, C replaced by T.
Protein change: p.Gln14Ter; replaces glutamine 14 with a stop codon.
Molecular consequence: nonsense.
Genome position (GRCh38, 1-based): chr10:67,647,474, G>A on the plus strand (C>T on the coding strand, the complement: CTNNA3 is on the minus strand). VCF-style: chr10-67647474-G-A. GRCh37 (hg19) VCF-style: chr10-69407232-G-A.
Other names: c.40C>T, p.Gln14Ter (NM_001127384.3); c.76C>T, p.Gln26Ter (NM_001291133.2); short protein forms Q14*, Q26*.
Identifiers: ClinVar variation 646792 (VCV000646792.6), dbSNP rs1589530547, ClinGen allele CA377100254.